The following is an entry in ClinVar:

ClinVar aggregate classification (germline): Likely benign (1 of 4 stars; one submission).

Conditions:
PLXNA2-related disorder. Also called: PLXNA2-related condition.

gnomAD v4.1: 4 of 1,614,234 alleles (0.00025%); highest among the groups gnomAD compares: Non-Finnish European, 0.00034%; no homozygotes.

Submission:

PreventionGenetics, part of Exact Sciences
Classification: Likely benign for PLXNA2-related condition. Last evaluated: 2025-04-24. Review status: criteria provided, single submitter. Criteria: ACMG Guidelines, 2015. Collection method: clinical testing. Allele origin: germline.
Comment: This variant is classified as likely benign based on ACMG/AMP sequence variant interpretation guidelines (Richards et al. 2015 PMID: 25741868, with internal and published modifications).

NM_025179.4(PLXNA2):c.384C>T (p.Ala128=)

Gene: PLXNA2 (plexin A2; minus strand). Cytogenetic location: 1q32.2.
Variant type: single nucleotide variant.
Coding change: c.384C>T on transcript NM_025179.4 (MANE Select); coding-DNA position 384, C replaced by T.
Protein change: p.Ala128=; no amino-acid change (alanine 128 retained).
Molecular consequence: synonymous variant.
Genome position (GRCh38, 1-based): chr1:208,217,539, G>A on the plus strand (C>T on the coding strand, the complement: PLXNA2 is on the minus strand). VCF-style: chr1-208217539-G-A. GRCh37 (hg19) VCF-style: chr1-208390884-G-A.
Identifiers: ClinVar variation 4987154 (VCV004987154.1).
Genomic context (GRCh38, chr1:208,217,539, plus strand): 5'-CAGGATGAAGAGGTCATCCAGCCGCAGCAGCTTGCAGACCCCCTGGTAGAGGCTCCCACA[G>A]GCCAGCAGGCGGTTCTCAGAGTAGTCAATGATGAGCAGCTTGTTGACATTGTTGGTGAGG-3'
Protein context (NP_079455.3, residues 118-138): IIDYSENRLL[Ala128=]CGSLYQGVCK